The following is an entry in ClinVar:

NM_021942.6(TRAPPC11):c.701G>A (p.Ser234Asn)

Gene: TRAPPC11 (trafficking protein particle complex subunit 11; plus strand). Cytogenetic location: 4q35.1.
Variant type: single nucleotide variant.
Coding change: c.701G>A on transcript NM_021942.6 (MANE Select); coding-DNA position 701, G replaced by A.
Protein change: p.Ser234Asn; replaces serine 234 with asparagine.
Molecular consequence: missense variant.
Genome position (GRCh38, 1-based): chr4:183,675,204, G>A. VCF-style: chr4-183675204-G-A. GRCh37 (hg19) VCF-style: chr4-184596357-G-A.
Other names: c.701G>A, p.Ser234Asn (NM_199053.3); short protein forms S234N.
Identifiers: ClinVar variation 1041241 (VCV001041241.9), dbSNP rs1735354186, ClinGen allele CA358861460.
Genomic context (GRCh38, chr4:183,675,204, plus strand): 5'-ATTTTTTTGTCTCTTTTTAGCTTTTATTTGTTAGGCATCAGTTCAAAATAGCTTTCTTCA[G>A]TGAGTTGAAACAAGATACACAAAATGCGCTGAAGTAAGTTAAGCTTTCAAACTAAATGTT-3'
Protein context (NP_068761.4, residues 224-244): VRHQFKIAFF[Ser234Asn]ELKQDTQNAL

ClinVar aggregate classification (germline): Uncertain significance (1 of 4 stars; one submission).

Conditions:
Autosomal recessive limb-girdle muscular dystrophy type R18 (LGMDR18). Also called: MUSCULAR DYSTROPHY, LIMB-GIRDLE, AUTOSOMAL RECESSIVE 18; Autosomal recessive limb-girdle muscular dystrophy type 2S; Limb-girdle muscular dystrophy, type 2S. Identifiers: Orphanet 369840, MedGen C4517996, MONDO:0014144, OMIM 615356.

Allele frequency attached by ClinVar (database versions not stated): gnomAD exomes 0.00001.
gnomAD v4.1: 11 of 1,543,630 alleles (0.00071%); highest among the groups gnomAD compares: Admixed American, 0.0019%; no homozygotes.

Submission:

Labcorp Genetics (formerly Invitae), Labcorp
Classification: Uncertain significance for Autosomal recessive limb-girdle muscular dystrophy type R18. Last evaluated: 2024-02-18. Review status: criteria provided, single submitter. Criteria: Invitae Variant Classification Sherloc (09022015). Collection method: clinical testing. Allele origin: germline.
Comment: This sequence change replaces serine, which is neutral and polar, with asparagine, which is neutral and polar, at codon 234 of the TRAPPC11 protein (p.Ser234Asn). This variant is not present in population databases (gnomAD no frequency). This variant has not been reported in the literature in individuals affected with TRAPPC11-related conditions. ClinVar contains an entry for this variant (Variation ID: 1041241). Advanced modeling of protein sequence and biophysical properties (such as structural, functional, and spatial information, amino acid conservation, physicochemical variation, residue mobility, and thermodynamic stability) performed at Invitae indicates that this missense variant is not expected to disrupt TRAPPC11 protein function with a negative predictive value of 80%. In summary, the available evidence is currently insufficient to determine the role of this variant in disease. Therefore, it has been classified as a Variant of Uncertain Significance.